The following is an entry in ClinVar:

ClinVar aggregate classification (germline): Benign (3 of 4 stars; one submission).

Conditions:
Breast-ovarian cancer, familial, susceptibility to, 1 (BROVCA1). Also called: BRCA1 Hereditary Breast and Ovarian Cancer; OVARIAN CANCER, SUSCEPTIBILITY TO. Identifiers: Orphanet 145, MedGen C2676676, MONDO:0011450, OMIM 604370. Disease mechanism: loss of function.

Allele frequency attached by ClinVar (database versions not stated): 1000 Genomes Project 30x 0.00468; gnomAD 0.00536 and 0.00574; 1000 Genomes Project 0.00559; TOPMed 0.00615.
gnomAD v4.1: 806 of 152,198 alleles (0.53%); highest among the groups gnomAD compares: African/African-American, 1.6%; 11 homozygotes.

Submission:

Evidence-based Network for the Interpretation of Germline Mutant Alleles (ENIGMA)
Classification: Benign for Breast-ovarian cancer, familial 1. Last evaluated: 2015-01-12. Review status: reviewed by expert panel. Criteria: ENIGMA BRCA1/2 Classification Criteria (2015). Collection method: curation. Allele origin: germline.
Comment: Class 1 not pathogenic based on frequency >1% in an outbred sampleset. Frequency 0.02033 (African), derived from 1000 genomes (2012-04-30).

NM_007294.4(BRCA1):c.135-3759A>G

Gene: BRCA1 (BRCA1 DNA repair associated; minus strand). Cytogenetic location: 17q21.31.
Variant type: single nucleotide variant.
Coding change: c.135-3759A>G on transcript NM_007294.4 (MANE Select); 3759 bases into the intron before coding-DNA position 135, A replaced by G.
Molecular consequence: intron variant.
Genome position (GRCh38, 1-based): chr17:43,110,292, T>C on the plus strand (A>G on the coding strand, the complement: BRCA1 is on the minus strand). VCF-style: chr17-43110292-T-C. GRCh37 (hg19) VCF-style: chr17-41262309-T-C.
Other names: IVS 3-3759A>G; c.-7-3759A>G (NM_001408458.1, NM_001407931.1, NM_001407747.1 and 81 more transcripts); c.-219+14985A>G (NM_001407967.1); c.-169-5336A>G (NM_001407959.1, NM_001407962.1, NM_001408512.1 and 3 more transcripts); c.-54-3759A>G (NM_001407885.1, NM_001407886.1, NM_001407898.1 and 55 more transcripts); c.-8+173A>G (NM_001407746.1, NM_001408468.1, NM_001407842.1 and 14 more transcripts); c.135-3759A>G (NM_001407686.1, NM_001408397.1, NM_001407632.1 and 167 more transcripts); c.81-5336A>G (NM_001408451.1); and 6 more.
Identifiers: ClinVar variation 209508 (VCV000209508.2), dbSNP rs113127132, ClinGen allele CA276478.